The following is an entry in ClinVar:

NM_015089.4(CUL9):c.2973G>A (p.Glu991=)

Gene: CUL9 (cullin 9; plus strand). Cytogenetic location: 6p21.1.
Variant type: single nucleotide variant.
Coding change: c.2973G>A on transcript NM_015089.4 (MANE Select); coding-DNA position 2973, G replaced by A.
Protein change: p.Glu991=; no amino-acid change (glutamic acid 991 retained).
Molecular consequence: synonymous variant.
Genome position (GRCh38, 1-based): chr6:43,198,778, G>A. VCF-style: chr6-43198778-G-A. GRCh37 (hg19) VCF-style: chr6-43166516-G-A.
Identifiers: ClinVar variation 2656582 (VCV002656582.24), dbSNP rs140559266, ClinGen allele CA3817710.

ClinVar aggregate classification (germline): Likely benign (1 of 4 stars; one submission).

Allele frequency attached by ClinVar (database versions not stated): ESP Exome Variant Server 0.00015; 1000 Genomes Project 30x 0.00016; TOPMed 0.00017; gnomAD 0.00018; 1000 Genomes Project 0.00020; ExAC 0.00022.
gnomAD v4.1: 328 of 1,614,020 alleles (0.02%); highest among the groups gnomAD compares: South Asian, 0.053%; no homozygotes.

Submission:

CeGaT Center for Human Genetics Tuebingen
Classification: Likely benign. Last evaluated: 2022-03-01. Review status: criteria provided, single submitter. Criteria: CeGaT Center For Human Genetics Tuebingen Variant Classification Criteria Version 2. Collection method: clinical testing. Allele origin: germline. Affected: yes. Observed: 1 variant allele.
Comment: CUL9: BP4, BP7